The following is an entry in ClinVar:

NM_006311.4(NCOR1):c.4153G>A (p.Gly1385Ser)

Gene: NCOR1 (nuclear receptor corepressor 1; minus strand). Cytogenetic location: 17p12.
Variant type: single nucleotide variant.
Coding change: c.4153G>A on transcript NM_006311.4 (MANE Select); coding-DNA position 4153, G replaced by A.
Protein change: p.Gly1385Ser; replaces glycine 1385 with serine.
Molecular consequence: missense variant.
Genome position (GRCh38, 1-based): chr17:16,070,525, C>T on the plus strand (G>A on the coding strand, the complement: NCOR1 is on the minus strand). VCF-style: chr17-16070525-C-T. GRCh37 (hg19) VCF-style: chr17-15973839-C-T.
Other names: c.4201G>A, p.Gly1401Ser (NM_001190440.2, NM_001439115.1); c.4375G>A, p.Gly1459Ser (NM_001439111.1); c.4231G>A, p.Gly1411Ser (NM_001439112.1); c.4228G>A, p.Gly1410Ser (NM_001439113.1); c.4204G>A, p.Gly1402Ser (NM_001439114.1); c.4156G>A, p.Gly1386Ser (NM_001439116.1); short protein forms G1385S, G1411S, G1459S, G1386S, G1401S, G1402S, G1410S.
Identifiers: ClinVar variation 4993419 (VCV004993419.1).

ClinVar aggregate classification (germline): Uncertain significance (1 of 4 stars; one submission).

Conditions:
NCOR1-related disorder. Also called: NCOR1-related condition.

Submission:

PreventionGenetics, part of Exact Sciences
Classification: Uncertain significance for NCOR1-related condition. Last evaluated: 2025-10-28. Review status: criteria provided, single submitter. Criteria: ACMG Guidelines, 2015. Collection method: clinical testing. Allele origin: germline.
Comment: The NCOR1 c.4153G>A variant is predicted to result in the amino acid substitution p.Gly1385Ser. To our knowledge, this variant has not been reported in the literature or in a large population database (gnomAD), indicating this variant is rare. At this time, the clinical significance of this variant is uncertain due to the absence of conclusive functional and genetic evidence.